The following is an entry in ClinVar:

ClinVar aggregate classification (germline): Likely benign (1 of 4 stars; one submission).

Allele frequency attached by ClinVar (database versions not stated): gnomAD exomes below 0.00001.
gnomAD v4.1: 1 of 1,599,256 alleles (0.000063%); highest among the groups gnomAD compares: Admixed American, 0.0017%; no homozygotes.

Submission:

GeneDx
Classification: Likely benign. Last evaluated: 2016-04-08. Review status: criteria provided, single submitter. Criteria: GeneDx Variant Classification (06012015). Collection method: clinical testing. Allele origin: germline. Affected: yes.
Comment: This variant is considered likely benign or benign based on one or more of the following criteria: it is a conservative change, it occurs at a poorly conserved position in the protein, it is predicted to be benign by multiple in silico algorithms, and/or has population frequency not consistent with disease.

NM_002887.4(RARS1):c.1626-5T>C

Gene: RARS1 (arginyl-tRNA synthetase 1; plus strand). Cytogenetic location: 5q34.
Variant type: single nucleotide variant.
Coding change: c.1626-5T>C on transcript NM_002887.4 (MANE Select); 5 bases into the intron before coding-DNA position 1626, T replaced by C.
Molecular consequence: intron variant.
Genome position (GRCh38, 1-based): chr5:168,517,810, T>C. VCF-style: chr5-168517810-T-C. GRCh37 (hg19) VCF-style: chr5-167944815-T-C.
Identifiers: ClinVar variation 385002 (VCV000385002.1), dbSNP rs1057522097, ClinGen allele CA16604763.